The following is an entry in ClinVar:

NM_153460.4(IL17RC):c.952G>A (p.Ala318Thr)

Gene: IL17RC (interleukin 17 receptor C; plus strand). Cytogenetic location: 3p25.3.
Variant type: single nucleotide variant.
Coding change: c.952G>A on transcript NM_153460.4 (MANE Select); coding-DNA position 952, G replaced by A.
Protein change: p.Ala318Thr; replaces alanine 318 with threonine.
Molecular consequence: missense variant. On other transcripts: non-coding transcript variant (1).
Genome position (GRCh38, 1-based): chr3:9,928,379, G>A. VCF-style: chr3-9928379-G-A. GRCh37 (hg19) VCF-style: chr3-9970063-G-A.
Other names: c.952G>A, p.Ala318Thr (NM_001203263.2, NM_001203264.2); c.907G>A, p.Ala303Thr (NM_001203265.2, NM_001367280.1, NM_032732.6); c.913G>A, p.Ala305Thr (NM_001367278.1); c.832G>A, p.Ala278Thr (NM_001367279.1); c.1165G>A, p.Ala389Thr (NM_153461.4); short protein forms A305T, A318T, A278T, A303T, A389T.
Identifiers: ClinVar variation 713000 (VCV000713000.34), dbSNP rs145516404, ClinGen allele CA2247077.

ClinVar aggregate classification (germline): Benign. Review status: criteria provided, multiple submitters, no conflicts (2 of 4 stars). 2 submissions from 2 submitters: Benign (2). Last evaluated 2026-01-23.

Conditions:
Candidiasis, familial, 9 (CANDF9). Identifiers: Orphanet 1334, MedGen C4225324, MONDO:0014642, OMIM 616445.

Allele frequency attached by ClinVar (database versions not stated): gnomAD exomes 0.00371 and 0.00333; 1000 Genomes Project 30x 0.00172; ESP Exome Variant Server 0.00177; 1000 Genomes Project 0.00200; TOPMed 0.00205; gnomAD 0.00344 and 0.00366; ExAC 0.00371.
gnomAD v4.1: 5,342 of 1,604,414 alleles (0.33%); highest among the groups gnomAD compares: Non-Finnish European, 0.33%; 19 homozygotes.

Submissions (2):

Labcorp Genetics (formerly Invitae), Labcorp
Classification: Benign for Candidiasis, familial, 9. Last evaluated: 2026-01-23. Review status: criteria provided, single submitter. Criteria: Invitae Variant Classification Sherloc (09022015). Collection method: clinical testing. Allele origin: germline.

CeGaT Center for Human Genetics Tuebingen
Classification: Benign. Last evaluated: 2026-01-01. Review status: criteria provided, single submitter. Criteria: CeGaT Center For Human Genetics Tuebingen Variant Classification Criteria Version 2. Collection method: clinical testing. Allele origin: germline. Affected: yes. Observed: 2 variant alleles.
Comment: IL17RC: BP4, BS1, BS2